The following is an entry in ClinVar:

ClinVar aggregate classification (germline): Likely benign (1 of 4 stars; one submission).

gnomAD v4.1: 603 of 1,613,860 alleles (0.037%); highest among the groups gnomAD compares: Middle Eastern, 0.18%; no homozygotes.

Submission:

Mayo Clinic Laboratories, Mayo Clinic
Classification: Likely benign. Last evaluated: 2025-05-20. Review status: criteria provided, single submitter. Criteria: ACMG Guidelines, 2015. Collection method: clinical testing. Allele origin: germline. Observed: 1 variant allele.
Comment: BS2, BP4

NM_001761.3(CCNF):c.312G>A (p.Val104=)

Gene: CCNF (cyclin F; plus strand). Cytogenetic location: 16p13.3.
Variant type: single nucleotide variant.
Coding change: c.312G>A on transcript NM_001761.3 (MANE Select); coding-DNA position 312, G replaced by A.
Protein change: p.Val104=; no amino-acid change (valine 104 retained).
Molecular consequence: synonymous variant. On other transcripts: 5 prime UTR variant (1).
Genome position (GRCh38, 1-based): chr16:2,435,839, G>A. VCF-style: chr16-2435839-G-A. GRCh37 (hg19) VCF-style: chr16-2485840-G-A.
Other names: p.Val104=; c.-613G>A (NM_001323538.2).
Identifiers: ClinVar variation 4684064 (VCV004684064.1).